The following is an entry in ClinVar:

NM_001244008.2(KIF1A):c.3616C>T (p.Arg1206Trp)

Gene: KIF1A (kinesin family member 1A; minus strand). Cytogenetic location: 2q37.3.
Variant type: single nucleotide variant.
Coding change: c.3616C>T on transcript NM_001244008.2 (MANE Select); coding-DNA position 3616, C replaced by T.
Protein change: p.Arg1206Trp; replaces arginine 1206 with tryptophan.
Molecular consequence: missense variant.
Genome position (GRCh38, 1-based): chr2:240,742,953, G>A on the plus strand (C>T on the coding strand, the complement: KIF1A is on the minus strand). VCF-style: chr2-240742953-G-A. GRCh37 (hg19) VCF-style: chr2-241682370-G-A.
Other names: c.3340C>T, p.Arg1114Trp (NM_001320705.2, NM_001330289.2, NM_001379638.1); c.3415C>T, p.Arg1139Trp (NM_001330290.2, NM_001379634.1, NM_001379635.1 and 1 more transcripts); c.3691C>T, p.Arg1231Trp (NM_001379631.1); c.3565C>T, p.Arg1189Trp (NM_001379632.1); c.3589C>T, p.Arg1197Trp (NM_001379633.1, NM_001379642.1, NM_001379645.1); c.3313C>T, p.Arg1105Trp (NM_001379636.1, NM_001379639.1, NM_001379641.1 and 5 more transcripts); c.3388C>T, p.Arg1130Trp (NM_001379637.1, NM_001379648.1); c.3310C>T, p.Arg1104Trp (NM_001379640.1); short protein forms R1105W, R1206W, R1114W, R1139W, R1104W, R1130W, R1189W, R1197W.
Identifiers: ClinVar variation 425262 (VCV000425262.50), dbSNP rs772443183, ClinGen allele CA2207730.

ClinVar aggregate classification (germline): Conflicting classifications of pathogenicity. Review status: criteria provided, conflicting classifications (1 of 4 stars). 3 submissions from 3 submitters: Uncertain significance (2); Likely benign (1). Last evaluated 2025-09-24.

Conditions:
Hereditary spastic paraplegia 30. Identifiers: Orphanet 101010, MedGen C5235139, MONDO:0012476.
Neuropathy, hereditary sensory, type 2C. Also called: KIF1A-Related HSAN2 (HSAN2C); Hereditary sensory and autonomic neuropathy type IIC. Identifiers: Orphanet 970, MedGen C3280168, MONDO:0013634, OMIM 614213.
Intellectual disability, autosomal dominant 9 (NESCAVS). Also called: NESCAV SYNDROME; KIF1A-Related Neurodevelopmental Disorder. Identifiers: Orphanet 662367, MedGen C5393830, MONDO:0013656, OMIM 614255.

Allele frequency attached by ClinVar (database versions not stated): ExAC 0.00001; gnomAD 0.00001; TOPMed 0.00001.
gnomAD v4.1: 20 of 1,611,670 alleles (0.0012%); highest among the groups gnomAD compares: African/African-American, 0.004%; no homozygotes.

Submissions (3):

Labcorp Genetics (formerly Invitae), Labcorp
Classification: Likely benign for Hereditary spastic paraplegia 30; Neuropathy, hereditary sensory, type 2C; Intellectual disability, autosomal dominant 9. Last evaluated: 2025-09-24. Review status: criteria provided, single submitter. Criteria: Invitae Variant Classification Sherloc (09022015). Collection method: clinical testing. Allele origin: germline.

Institute of Human Genetics, University of Leipzig Medical Center
Classification: Uncertain significance for Intellectual disability, autosomal dominant 9. Last evaluated: 2019-01-01. Review status: criteria provided, single submitter. Criteria: ACMG Guidelines, 2015. Collection method: clinical testing. Allele origin: unknown. Affected: yes.
Comment: This variant was identified as compound heterozygous.

CeGaT Center for Human Genetics Tuebingen
Classification: Uncertain significance. Last evaluated: 2017-01-01. Review status: criteria provided, single submitter. Criteria: CeGaT Center For Human Genetics Tuebingen Variant Classification Criteria Version 2. Collection method: clinical testing. Allele origin: germline. Affected: yes. Observed: 1 variant allele.